The following is an entry in ClinVar:

ClinVar aggregate classification (germline): Uncertain significance. Review status: criteria provided, multiple submitters, no conflicts (2 of 4 stars). 2 submissions from 2 submitters: Uncertain significance (2). Last evaluated 2023-02-20.

Allele frequency attached by ClinVar (database versions not stated): gnomAD exomes 0.00001 and 0.00002; gnomAD 0.00003; TOPMed 0.00003.
gnomAD v4.1: 15 of 1,613,534 alleles (0.00093%); highest among the groups gnomAD compares: Admixed American, 0.0083%; no homozygotes.

Submissions (2):

Blueprint Genetics
Classification: Uncertain significance. Last evaluated: 2023-02-20. Review status: criteria provided, single submitter. Criteria: ACMG Guidelines, 2015. Collection method: clinical testing. Allele origin: germline.

Labcorp Genetics (formerly Invitae), Labcorp
Classification: Uncertain significance. Last evaluated: 2022-08-08. Review status: criteria provided, single submitter. Criteria: Invitae Variant Classification Sherloc (09022015). Collection method: clinical testing. Allele origin: germline.
Comment: This variant is present in population databases (no rsID available, gnomAD 0.01%). In summary, the available evidence is currently insufficient to determine the role of this variant in disease. Therefore, it has been classified as a Variant of Uncertain Significance. Algorithms developed to predict the effect of sequence changes on RNA splicing suggest that this variant may create or strengthen a splice site. Algorithms developed to predict the effect of missense changes on protein structure and function are either unavailable or do not agree on the potential impact of this missense change (SIFT: "Deleterious"; PolyPhen-2: "Possibly Damaging"; Align-GVGD: "Class C0"). ClinVar contains an entry for this variant (Variation ID: 1043504). This variant has not been reported in the literature in individuals affected with MERTK-related conditions. This sequence change replaces arginine, which is basic and polar, with glutamine, which is neutral and polar, at codon 629 of the MERTK protein (p.Arg629Gln).

NM_006343.3(MERTK):c.1886G>A (p.Arg629Gln)

Gene: MERTK (MER proto-oncogene, tyrosine kinase; plus strand). Cytogenetic location: 2q13.
Variant type: single nucleotide variant.
Coding change: c.1886G>A on transcript NM_006343.3 (MANE Select); coding-DNA position 1886, G replaced by A.
Protein change: p.Arg629Gln; replaces arginine 629 with glutamine.
Molecular consequence: missense variant.
Genome position (GRCh38, 1-based): chr2:112,008,401, G>A. VCF-style: chr2-112008401-G-A. GRCh37 (hg19) VCF-style: chr2-112765978-G-A.
Other names: short protein forms R629Q.
Identifiers: ClinVar variation 1043504 (VCV001043504.8), dbSNP rs1262393075, ClinGen allele CA348233127.